The following is an entry in ClinVar:

NM_001395413.1(POR):c.64_65del (p.Leu22fs)

Gene: POR (cytochrome p450 oxidoreductase; plus strand). Cytogenetic location: 7q11.23.
Variant type: Microsatellite.
Coding change: c.64_65del on transcript NM_001395413.1 (MANE Select); coding-DNA positions 64 to 65, 2 bases deleted (CT; older notation c.64_65delCT).
Protein change: p.Leu22fs; shifts the reading frame from leucine 22.
Molecular consequence: frameshift variant.
Genome position (GRCh38, 1-based): chr7:75,954,065-75,954,066, CT deleted; deleting any 2 consecutive bases within chr7:75,954,062-75,954,066 gives the same sequence; the c. name uses the placement nearest the transcript's 3' end. VCF-style (leftmost placement, unchanged base first): chr7-75954061-ATC-A. GRCh37 (hg19) VCF-style: chr7-75583379-ATC-A.
Other names: c.71_72CT[1], p.Leu25Phefs (NM_000941.2, NM_000941.3); c.64_65del, p.Leu22fs (NM_001367562.3, NM_001382655.3, NM_001382657.2 and 3 more transcripts); short protein forms L22fs.
Identifiers: ClinVar variation 1920714 (VCV001920714.6), dbSNP rs782696006, ClinGen allele CA4303444.
Genomic context (GRCh38, chr7:75,954,061, plus strand): 5'-CATGGGAGACTCCCACGTGGACACCAGCTCCACCGTGTCCGAGGCGGTGGCCGAAGAAGT[ATC>A]TCTTTTCAGCATGACGGACATGATTCTGTTTTCGCTCATCGTGGGTCTCCTAACCTACTG-3'

ClinVar aggregate classification (germline): Pathogenic/Likely pathogenic. Review status: criteria provided, multiple submitters, no conflicts (2 of 4 stars). 2 submissions from 2 submitters: Pathogenic (1); Likely pathogenic (1). Last evaluated 2023-03-28.

Conditions:
Congenital adrenal hyperplasia due to cytochrome P450 oxidoreductase deficiency. Also called: DISORDERED STEROIDOGENESIS DUE TO POR DEFICIENCY. Identifiers: Orphanet 95699, MedGen C1860042, MONDO:0013310, OMIM 613571.
POR-related disorder. Also called: POR-related condition.

Submissions (2):

Labcorp Genetics (formerly Invitae), Labcorp
Classification: Pathogenic for Congenital adrenal hyperplasia due to cytochrome P450 oxidoreductase deficiency. Last evaluated: 2023-03-28. Review status: criteria provided, single submitter. Criteria: Invitae Variant Classification Sherloc (09022015). Collection method: clinical testing. Allele origin: germline.
Comment: This sequence change creates a premature translational stop signal (p.Leu25Phefs*93) in the POR gene. It is expected to result in an absent or disrupted protein product. Loss-of-function variants in POR are known to be pathogenic (PMID: 14758361, 20732302, 21741353). For these reasons, this variant has been classified as Pathogenic. This premature translational stop signal has been observed in individual(s) with clinical features of cytochrome P450 oxidoreductase deficiency (PMID: 32060549). This variant is present in population databases (rs782696006, gnomAD 0.006%).

Blueprint Genetics
Classification: Likely pathogenic for POR-related disorders. Last evaluated: 2021-11-11. Review status: criteria provided, single submitter. Criteria: ACMG Guidelines, 2015. Collection method: clinical testing. Allele origin: germline. Affected: yes. Observed: 2 variant alleles.

Literature cited by the submitters: PubMed 14758361 (cited by Labcorp Genetics (formerly Invitae), Labcorp); PubMed 20732302 (cited by Labcorp Genetics (formerly Invitae), Labcorp); PubMed 21741353 (cited by Labcorp Genetics (formerly Invitae), Labcorp); PubMed 32060549 (cited by Labcorp Genetics (formerly Invitae), Labcorp).